The following is an entry in ClinVar:

NM_001379286.1(ZNF423):c.2669C>T (p.Ser890Leu)

Gene: ZNF423 (zinc finger protein 423; minus strand). Cytogenetic location: 16q12.1.
Variant type: single nucleotide variant.
Coding change: c.2669C>T on transcript NM_001379286.1 (MANE Select); coding-DNA position 2669, C replaced by T.
Protein change: p.Ser890Leu; replaces serine 890 with leucine.
Molecular consequence: missense variant.
Genome position (GRCh38, 1-based): chr16:49,636,507, G>A on the plus strand (C>T on the coding strand, the complement: ZNF423 is on the minus strand). VCF-style: chr16-49636507-G-A. GRCh37 (hg19) VCF-style: chr16-49670418-G-A.
Other names: c.2645C>T (NM_015069.2); c.2465C>T, p.Ser822Leu (NM_001271620.2); c.2294C>T, p.Ser765Leu (NM_001330533.2); c.2645C>T, p.Ser882Leu (NM_015069.5); short protein forms S822L, S882L, S765L, S890L.
Identifiers: ClinVar variation 580310 (VCV000580310.6), dbSNP rs777639594, ClinGen allele CA8046454.

ClinVar aggregate classification (germline): Uncertain significance. Review status: criteria provided, multiple submitters, no conflicts (2 of 4 stars). 3 submissions from 3 submitters: Uncertain significance (3). Last evaluated 2025-09-27.

Conditions:
Nephronophthisis 14 (NPHP14). Identifiers: Orphanet 2318, MedGen C3539071, MONDO:0013916, OMIM 614844.

Allele frequency attached by ClinVar (database versions not stated): gnomAD 0.00005 and 0.00006; gnomAD exomes 0.00006 and 0.00008; TOPMed 0.00006; ExAC 0.00007.
gnomAD v4.1: 131 of 1,613,650 alleles (0.0081%); highest among the groups gnomAD compares: Admixed American, 0.018%; no homozygotes.

Submissions (3):

Ambry Genetics
Classification: Uncertain significance. Last evaluated: 2025-09-27. Review status: criteria provided, single submitter. Criteria: Ambry Variant Classification Scheme 2023. Collection method: clinical testing. Allele origin: germline.

Blueprint Genetics
Classification: Uncertain significance. Last evaluated: 2024-07-05. Review status: criteria provided, single submitter. Criteria: ACMG Guidelines, 2015. Collection method: clinical testing. Allele origin: germline.

Labcorp Genetics (formerly Invitae), Labcorp
Classification: Uncertain significance for Nephronophthisis 14. Last evaluated: 2022-08-16. Review status: criteria provided, single submitter. Criteria: Invitae Variant Classification Sherloc (09022015). Collection method: clinical testing. Allele origin: germline.
Comment: This sequence change replaces serine, which is neutral and polar, with leucine, which is neutral and non-polar, at codon 882 of the ZNF423 protein (p.Ser882Leu). This variant is present in population databases (rs777639594, gnomAD 0.02%). This variant has not been reported in the literature in individuals affected with ZNF423-related conditions. ClinVar contains an entry for this variant (Variation ID: 580310). Algorithms developed to predict the effect of missense changes on protein structure and function are either unavailable or do not agree on the potential impact of this missense change (SIFT: "Deleterious"; PolyPhen-2: "Benign"; Align-GVGD: "Class C15"). In summary, the available evidence is currently insufficient to determine the role of this variant in disease. Therefore, it has been classified as a Variant of Uncertain Significance.